The following is an entry in ClinVar:

ClinVar aggregate classification (germline): Uncertain significance (1 of 4 stars; one submission).

Conditions:
Emery-Dreifuss muscular dystrophy 5, autosomal dominant (EDMD5). Also called: EMERY-DREIFUSS MUSCULAR DYSTROPHY 5. Identifiers: Orphanet 261, MedGen C2751805, MONDO:0013072, OMIM 612999.

Allele frequency attached by ClinVar (database versions not stated): gnomAD exomes below 0.00001.
gnomAD v4.1: 1 of 1,614,068 alleles (0.000062%); highest among the groups gnomAD compares: South Asian, 0.0011%; no homozygotes.

Submission:

Labcorp Genetics (formerly Invitae), Labcorp
Classification: Uncertain significance for Emery-Dreifuss muscular dystrophy 5, autosomal dominant. Last evaluated: 2022-02-09. Review status: criteria provided, single submitter. Criteria: Invitae Variant Classification Sherloc (09022015). Collection method: clinical testing. Allele origin: germline.
Comment: This variant has not been reported in the literature in individuals affected with SYNE2-related conditions. This sequence change replaces serine, which is neutral and polar, with cysteine, which is neutral and slightly polar, at codon 6430 of the SYNE2 protein (p.Ser6430Cys). This variant is not present in population databases (gnomAD no frequency). ClinVar contains an entry for this variant (Variation ID: 959175). Algorithms developed to predict the effect of missense changes on protein structure and function are either unavailable or do not agree on the potential impact of this missense change (SIFT: "Tolerated"; PolyPhen-2: "Probably Damaging"; Align-GVGD: "Class C0"). In summary, the available evidence is currently insufficient to determine the role of this variant in disease. Therefore, it has been classified as a Variant of Uncertain Significance.

NM_182914.3(SYNE2):c.19289C>G (p.Ser6430Cys)

Gene: SYNE2 (spectrin repeat containing nuclear envelope protein 2; plus strand). Cytogenetic location: 14q23.2.
Variant type: single nucleotide variant.
Coding change: c.19289C>G on transcript NM_182914.3 (MANE Select); coding-DNA position 19289, C replaced by G.
Protein change: p.Ser6430Cys; replaces serine 6430 with cysteine.
Molecular consequence: missense variant.
Genome position (GRCh38, 1-based): chr14:64,214,426, C>G. VCF-style: chr14-64214426-C-G. GRCh37 (hg19) VCF-style: chr14-64681144-C-G.
Other names: c.19289C>G, p.Ser6430Cys (NM_015180.6); c.191C>G, p.Ser64Cys (NM_182913.4); short protein forms S64C, S6430C.
Identifiers: ClinVar variation 959175 (VCV000959175.10), dbSNP rs2098656312, ClinGen allele CA389957073.
Genomic context (GRCh38, chr14:64,214,426, plus strand): 5'-TCAGCGTGGACTCCATCCCCCTGGAGTGGGACCACACAGGCGACGTGGGGGGCTCCTCCT[C>G]TCACGAAGAGGACGAGGAGGGCCCATACTACAGCGCACTGTCAGGTAACAGCTGGGTTCC-3'
Protein context (NP_878918.2, residues 6420-6440): DHTGDVGGSS[Ser6430Cys]HEEDEEGPYY